The following is an entry in ClinVar:

ClinVar aggregate classification (germline): Pathogenic (1 of 4 stars; one submission).

Submission:

GeneDx
Classification: Pathogenic. Last evaluated: 2022-01-06. Review status: criteria provided, single submitter. Criteria: GeneDx Variant Classification Process June 2021. Collection method: clinical testing. Allele origin: germline. Affected: yes.
Comment: Reported previously in an individual with right coronal craniosynostosis and left strabismus who inherited the variant from an unaffected father (Sharma et al., 2013); Nonsense variant predicted to result in protein truncation or nonsense mediated decay in a gene for which loss-of-function is a known mechanism of disease; Not observed in large population cohorts (gnomAD); This variant is associated with the following publications: (PMID: 23354436)

NM_207037.2(TCF12):c.1127G>A (p.Trp376Ter)

Gene: TCF12 (transcription factor 12; plus strand). Cytogenetic location: 15q21.3.
Variant type: single nucleotide variant.
Coding change: c.1127G>A on transcript NM_207037.2 (MANE Select); coding-DNA position 1127, G replaced by A.
Protein change: p.Trp376Ter; replaces tryptophan 376 with a stop codon.
Molecular consequence: nonsense.
Genome position (GRCh38, 1-based): chr15:57,251,362, G>A. VCF-style: chr15-57251362-G-A. GRCh37 (hg19) VCF-style: chr15-57543560-G-A.
Other names: c.617G>A, p.Trp206Ter (NM_001306219.3, NM_207040.2); c.419G>A, p.Trp140Ter (NM_001306220.3); c.1127G>A, p.Trp376Ter (NM_001322151.2, NM_001322152.2, NM_001322157.3 and 7 more transcripts); c.470G>A, p.Trp157Ter (NM_001322154.2); c.953G>A, p.Trp318Ter (NM_001322156.2, NM_001322158.2); c.1163G>A, p.Trp388Ter (NM_001322164.2); short protein forms W140*, W157*, W206*, W318*, W376*, W388*.
Identifiers: ClinVar variation 1678717 (VCV001678717.2), dbSNP rs2152009015, ClinGen allele CA392596434.